The following is an entry in ClinVar:

NM_000070.3(CAPN3):c.1106G>A (p.Trp369Ter)

Gene: CAPN3 (calpain 3; plus strand). Cytogenetic location: 15q15.1.
Variant type: single nucleotide variant.
Coding change: c.1106G>A on transcript NM_000070.3 (MANE Select); coding-DNA position 1106, G replaced by A.
Protein change: p.Trp369Ter; replaces tryptophan 369 with a stop codon.
Molecular consequence: nonsense.
Genome position (GRCh38, 1-based): chr15:42,394,332, G>A. VCF-style: chr15-42394332-G-A. GRCh37 (hg19) VCF-style: chr15-42686530-G-A.
Other names: c.1106G>A, p.Trp369Ter (NM_024344.2); c.962G>A, p.Trp321Ter (NM_173087.2); short protein forms W369*, W321*.
Identifiers: ClinVar variation 813987 (VCV000813987.1), dbSNP rs1595828703, ClinGen allele CA391999075.
Genomic context (GRCh38, chr15:42,394,332, plus strand): 5'-AGAAAGTGAAGCTGGTGCGGCTGCGGAATCCGTGGGGCCAGGTGGAGTGGAACGGTTCTT[G>A]GAGTGATAGGTAGGTGAGGGGACCCCACGGGATTGGCGGTGGCGGGGAACAGGGTCCGGG-3'

ClinVar aggregate classification (germline): Pathogenic (1 of 4 stars; one submission).

Conditions:
Autosomal recessive limb-girdle muscular dystrophy type 2A (LGMDR1). Also called: Calpainopathy; LEYDEN-MOEBIUS MUSCULAR DYSTROPHY; MUSCULAR DYSTROPHY, PELVOFEMORAL; Muscular dystrophy, limb-girdle, type 2A, Amish; Limb-girdle muscular dystrophy, type 2A. Identifiers: Orphanet 267, MedGen C1869123, MONDO:0009675, OMIM 253600. Disease mechanism: loss of function.

Submission:

Broad Center for Mendelian Genomics, Broad Institute of MIT and Harvard
Classification: Pathogenic for Autosomal recessive limb-girdle muscular dystrophy type 2A. Last evaluated: 2018-12-03. Review status: criteria provided, single submitter. Criteria: ACMG Guidelines, 2015. Collection method: research. Allele origin: germline. Inheritance: Autosomal recessive inheritance. Affected: yes.
Comment: The presence of this variant in combination with a reported pathogenic variant and in an individual with LGMD increases the likelihood that the p.Trp369Ter variant is pathogenic. This variant was absent from large population studies. This nonsense variant leads to a premature termination codon at position 369, which is predicted to lead to a truncated or absent protein. Loss of function of the CAPN3 gene is an established disease mechanism in autosomal recessive LGMD. In summary, this variant meets criteria to be classified as pathogenic for LGMD in an autosomal recessive manner based on the predicted impact of the variant and the presence of a pathogenic variant in trans in an individual with LGMD. ACMG/AMP Criteria applied: PM2, PVS1, PM3 (Richards 2015).